The following is an entry in ClinVar:

NM_006059.4(LAMC3):c.1000G>A (p.Glu334Lys)

Gene: LAMC3 (laminin subunit gamma 3; plus strand). Cytogenetic location: 9q34.12.
Variant type: single nucleotide variant.
Coding change: c.1000G>A on transcript NM_006059.4 (MANE Select); coding-DNA position 1000, G replaced by A.
Protein change: p.Glu334Lys; replaces glutamic acid 334 with lysine.
Molecular consequence: missense variant.
Genome position (GRCh38, 1-based): chr9:131,038,887, G>A. VCF-style: chr9-131038887-G-A. GRCh37 (hg19) VCF-style: chr9-133914274-G-A.
Other names: short protein forms E334K.
Identifiers: ClinVar variation 1474458 (VCV001474458.7), dbSNP rs140139330, ClinGen allele CA5286907.

ClinVar aggregate classification (germline): Uncertain significance. Review status: criteria provided, multiple submitters, no conflicts (2 of 4 stars). 3 submissions from 3 submitters: Uncertain significance (3). Last evaluated 2024-06-11.

Allele frequency attached by ClinVar (database versions not stated): gnomAD exomes 0.00005 and 0.00011; gnomAD 0.00006 and 0.00008; TOPMed 0.00007; ESP Exome Variant Server 0.00008; ExAC 0.00012.
gnomAD v4.1: 87 of 1,613,064 alleles (0.0054%); highest among the groups gnomAD compares: Middle Eastern, 0.033%; no homozygotes.

Submissions (3):

Blueprint Genetics
Classification: Uncertain significance. Last evaluated: 2024-06-11. Review status: criteria provided, single submitter. Criteria: ACMG Guidelines, 2015. Collection method: clinical testing. Allele origin: germline.

Labcorp Genetics (formerly Invitae), Labcorp
Classification: Uncertain significance. Last evaluated: 2022-09-19. Review status: criteria provided, single submitter. Criteria: Invitae Variant Classification Sherloc (09022015). Collection method: clinical testing. Allele origin: germline.
Comment: This sequence change replaces glutamic acid, which is acidic and polar, with lysine, which is basic and polar, at codon 334 of the LAMC3 protein (p.Glu334Lys). This variant is present in population databases (rs140139330, gnomAD 0.03%). This variant has not been reported in the literature in individuals affected with LAMC3-related conditions. ClinVar contains an entry for this variant (Variation ID: 1474458). Algorithms developed to predict the effect of missense changes on protein structure and function output the following: SIFT: "Tolerated"; PolyPhen-2: "Benign"; Align-GVGD: "Class C15". The lysine amino acid residue is found in multiple mammalian species, which suggests that this missense change does not adversely affect protein function. In summary, the available evidence is currently insufficient to determine the role of this variant in disease. Therefore, it has been classified as a Variant of Uncertain Significance.

Breakthrough Genomics
Classification: Uncertain significance. Review status: criteria provided, single submitter. Criteria: ACMG Guidelines, 2015. Collection method: not provided. Allele origin: germline. Inheritance: Autosomal recessive inheritance. Affected: yes.